The following is an entry in ClinVar:

ClinVar aggregate classification (germline): Uncertain significance (1 of 4 stars; one submission).

Allele frequency attached by ClinVar (database versions not stated): gnomAD exomes below 0.00001; gnomAD 0.00001.
gnomAD v4.1: 3 of 1,613,930 alleles (0.00019%); highest among the groups gnomAD compares: Non-Finnish European, 0.00025%; no homozygotes.

Submission:

Labcorp Genetics (formerly Invitae), Labcorp
Classification: Uncertain significance. Last evaluated: 2023-12-07. Review status: criteria provided, single submitter. Criteria: Invitae Variant Classification Sherloc (09022015). Collection method: clinical testing. Allele origin: germline.
Comment: This sequence change replaces cysteine, which is neutral and slightly polar, with tyrosine, which is neutral and polar, at codon 1150 of the ARHGAP31 protein (p.Cys1150Tyr). The frequency data for this variant in the population databases is considered unreliable, as metrics indicate poor data quality at this position in the gnomAD database. This variant has not been reported in the literature in individuals affected with ARHGAP31-related conditions. An algorithm developed to predict the effect of missense changes on protein structure and function (PolyPhen-2) suggests that this variant is likely to be tolerated. In summary, the available evidence is currently insufficient to determine the role of this variant in disease. Therefore, it has been classified as a Variant of Uncertain Significance.

NM_020754.4(ARHGAP31):c.3449G>A (p.Cys1150Tyr)

Gene: ARHGAP31 (Rho GTPase activating protein 31; plus strand). Cytogenetic location: 3q13.33.
Variant type: single nucleotide variant.
Coding change: c.3449G>A on transcript NM_020754.4 (MANE Select); coding-DNA position 3449, G replaced by A.
Protein change: p.Cys1150Tyr; replaces cysteine 1150 with tyrosine.
Molecular consequence: missense variant.
Genome position (GRCh38, 1-based): chr3:119,415,378, G>A. VCF-style: chr3-119415378-G-A. GRCh37 (hg19) VCF-style: chr3-119134225-G-A.
Other names: short protein forms C1150Y.
Identifiers: ClinVar variation 2714480 (VCV002714480.3), dbSNP rs1416370326, ClinGen allele CA354058809.